The following is an entry in ClinVar:

NM_001375567.1(FOCAD):c.1593ACT[1] (p.Leu533del)

Gene: FOCAD (focadhesin; plus strand). Cytogenetic location: 9p21.3.
Variant type: Microsatellite.
Coding change: c.1593ACT[1] on transcript NM_001375567.1 (MANE Select); one copy of the 3-base unit ACT starting at c.1593; the reference has two copies in a row; one copy, 3 bases deleted.
Protein change: p.Leu533del; deletes leucine 533.
Genome position (GRCh38, 1-based): chr9:20,820,359-20,820,361, ACT deleted; deleting any 3 consecutive bases within chr9:20,820,356-20,820,361 gives the same sequence; the position shown is the placement nearest the transcript's 3' end. VCF-style (leftmost placement, unchanged base first): chr9-20820355-AACT-A. GRCh37 (hg19) VCF-style: chr9-20820354-AACT-A.
Other names: c.1488ACT[1], p.Leu498del (NM_001375568.1, NM_001375570.1); c.1593ACT[1], p.Leu533del (NM_017794.5); short protein forms L533del, L498del.
Identifiers: ClinVar variation 3715361 (VCV003715361.2).

ClinVar aggregate classification (germline): Uncertain significance (1 of 4 stars; one submission).

Submission:

Labcorp Genetics (formerly Invitae), Labcorp
Classification: Uncertain significance. Last evaluated: 2024-03-25. Review status: criteria provided, single submitter. Criteria: Invitae Variant Classification Sherloc (09022015). Collection method: clinical testing. Allele origin: germline.
Comment: This variant, c.1596_1598del, results in the deletion of 1 amino acid(s) of the FOCAD protein (p.Leu533del), but otherwise preserves the integrity of the reading frame. This variant is present in population databases (rs756181950, gnomAD 0.01%). This variant has not been reported in the literature in individuals affected with FOCAD-related conditions. Experimental studies and prediction algorithms are not available or were not evaluated, and the functional significance of this variant is currently unknown. In summary, the available evidence is currently insufficient to determine the role of this variant in disease. Therefore, it has been classified as a Variant of Uncertain Significance.